The following is an entry in ClinVar:

NM_003072.5(SMARCA4):c.2734A>G (p.Thr912Ala)

Gene: SMARCA4 (SWI/SNF related BAF chromatin remodeling complex subunit ATPase 4; plus strand). Cytogenetic location: 19p13.2.
Variant type: single nucleotide variant.
Coding change: c.2734A>G on transcript NM_003072.5 (MANE Select); coding-DNA position 2734, A replaced by G.
Protein change: p.Thr912Ala; replaces threonine 912 with alanine.
Molecular consequence: missense variant. On other transcripts: non-coding transcript variant (1).
Genome position (GRCh38, 1-based): chr19:11,021,842, A>G. VCF-style: chr19-11021842-A-G. GRCh37 (hg19) VCF-style: chr19-11132518-A-G.
Other names: c.2734A>G, p.Thr912Ala (NM_001128846.2, NM_001128847.4, NM_001128848.2 and 6 more transcripts); short protein forms T912A.
Identifiers: ClinVar variation 1716125 (VCV001716125.5), dbSNP rs2146419389, ClinGen allele CA404056242.

ClinVar aggregate classification (germline): Uncertain significance (1 of 4 stars; one submission).

Conditions:
Rhabdoid tumor predisposition syndrome 2 (RTPS2). Identifiers: Orphanet 231108, Orphanet 69077, MedGen C2750074, MONDO:0013224, OMIM 613325.

Submission:

Labcorp Genetics (formerly Invitae), Labcorp
Classification: Uncertain significance for Rhabdoid tumor predisposition syndrome 2. Last evaluated: 2023-02-01. Review status: criteria provided, single submitter. Criteria: Invitae Variant Classification Sherloc (09022015). Collection method: clinical testing. Allele origin: germline.
Comment: This sequence change replaces threonine, which is neutral and polar, with alanine, which is neutral and non-polar, at codon 912 of the SMARCA4 protein (p.Thr912Ala). This variant is not present in population databases (gnomAD no frequency). This variant has not been reported in the literature in individuals affected with SMARCA4-related conditions. ClinVar contains an entry for this variant (Variation ID: 1716125). Advanced modeling of protein sequence and biophysical properties (such as structural, functional, and spatial information, amino acid conservation, physicochemical variation, residue mobility, and thermodynamic stability) performed at Invitae indicates that this missense variant is expected to disrupt SMARCA4 protein function. In summary, the available evidence is currently insufficient to determine the role of this variant in disease. Therefore, it has been classified as a Variant of Uncertain Significance.